The following is an entry in ClinVar:

NM_012469.4(PRPF6):c.2154C>G (p.Ile718Met)

Gene: PRPF6 (pre-mRNA processing factor 6; plus strand). Cytogenetic location: 20q13.33.
Variant type: single nucleotide variant.
Coding change: c.2154C>G on transcript NM_012469.4 (MANE Select); coding-DNA position 2154, C replaced by G.
Protein change: p.Ile718Met; replaces isoleucine 718 with methionine.
Molecular consequence: missense variant.
Genome position (GRCh38, 1-based): chr20:64,027,107, C>G. VCF-style: chr20-64027107-C-G. GRCh37 (hg19) VCF-style: chr20-62658460-C-G.
Other names: short protein forms I718M.
Identifiers: ClinVar variation 1925747 (VCV001925747.5), dbSNP rs200718065, ClinGen allele CA9972376.

ClinVar aggregate classification (germline): Uncertain significance (1 of 4 stars; one submission).

Allele frequency attached by ClinVar (database versions not stated): 1000 Genomes Project 0.00020; 1000 Genomes Project 30x 0.00031.

Submission:

Labcorp Genetics (formerly Invitae), Labcorp
Classification: Uncertain significance. Last evaluated: 2025-05-11. Review status: criteria provided, single submitter. Criteria: Invitae Variant Classification Sherloc (09022015). Collection method: clinical testing. Allele origin: germline.
Comment: This sequence change replaces isoleucine, which is neutral and non-polar, with methionine, which is neutral and non-polar, at codon 718 of the PRPF6 protein (p.Ile718Met). This variant is present in population databases (rs200718065, gnomAD 0.02%). This variant has not been reported in the literature in individuals affected with PRPF6-related conditions. ClinVar contains an entry for this variant (Variation ID: 1925747). Invitae Evidence Modeling of protein sequence and biophysical properties (such as structural, functional, and spatial information, amino acid conservation, physicochemical variation, residue mobility, and thermodynamic stability) indicates that this missense variant is not expected to disrupt PRPF6 protein function with a negative predictive value of 80%. In summary, the available evidence is currently insufficient to determine the role of this variant in disease. Therefore, it has been classified as a Variant of Uncertain Significance.